The following is an entry in ClinVar:

ClinVar aggregate classification (germline): Uncertain significance (1 of 4 stars; one submission).

gnomAD v4.1: 1 of 1,613,060 alleles (0.000062%); highest among the groups gnomAD compares: East Asian, 0.0022%; no homozygotes.

Submission:

Labcorp Genetics (formerly Invitae), Labcorp
Classification: Uncertain significance. Last evaluated: 2025-05-30. Review status: criteria provided, single submitter. Criteria: Invitae Variant Classification Sherloc (09022015). Collection method: clinical testing. Allele origin: germline.
Comment: This sequence change replaces phenylalanine, which is neutral and non-polar, with serine, which is neutral and polar, at codon 550 of the IFT88 protein (p.Phe550Ser). This variant is not present in population databases (gnomAD no frequency). This variant has not been reported in the literature in individuals affected with IFT88-related conditions. An algorithm developed to predict the effect of missense changes on protein structure and function (PolyPhen-2) suggests that this variant is likely to be disruptive. In summary, the available evidence is currently insufficient to determine the role of this variant in disease. Therefore, it has been classified as a Variant of Uncertain Significance.

NM_006531.5(IFT88):c.1622T>C (p.Phe541Ser)

Gene: IFT88 (intraflagellar transport 88; plus strand). Cytogenetic location: 13q12.11.
Variant type: single nucleotide variant.
Coding change: c.1622T>C on transcript NM_006531.5 (MANE Select); coding-DNA position 1622, T replaced by C.
Protein change: p.Phe541Ser; replaces phenylalanine 541 with serine.
Molecular consequence: missense variant. On other transcripts: non-coding transcript variant (4).
Genome position (GRCh38, 1-based): chr13:20,641,338, T>C. VCF-style: chr13-20641338-T-C. GRCh37 (hg19) VCF-style: chr13-21215477-T-C.
Other names: c.1565T>C, p.Phe522Ser (NM_001318491.2, NM_001353575.2); c.1649T>C, p.Phe550Ser (NM_001318493.2, NM_001353565.2, NM_001353566.2 and 2 more transcripts); c.1622T>C, p.Phe541Ser (NM_001353568.2, NM_001353572.2); c.1547T>C, p.Phe516Ser (NM_001353569.2, NM_001353570.2, NM_001353576.2 and 1 more transcripts); c.1520T>C, p.Phe507Ser (NM_001353571.2, NM_001353578.2); c.1478T>C, p.Phe493Ser (NM_001353573.2); c.1463T>C, p.Phe488Ser (NM_001353574.2); c.989T>C, p.Phe330Ser (NM_001353579.2); short protein forms F330S, F488S, F493S, F507S, F516S, F522S, F541S, F550S.
Identifiers: ClinVar variation 4799361 (VCV004799361.1).